The following is an entry in ClinVar:

ClinVar aggregate classification (germline): Uncertain significance (1 of 4 stars; one submission).

Submission:

GeneDx
Classification: Uncertain significance. Last evaluated: 2026-04-22. Review status: criteria provided, single submitter. Criteria: GeneDx Variant Classification Process June 2021. Collection method: clinical testing. Allele origin: germline.
Comment: Not observed at significant frequency in large population cohorts (gnomAD); In silico analysis supports that this missense variant has a deleterious effect on protein structure/function; Has not been previously published as pathogenic or benign to our knowledge

NM_000217.3(KCNA1):c.527T>C (p.Val176Ala)

Gene: KCNA1 (potassium voltage-gated channel subfamily A member 1; plus strand). Cytogenetic location: 12p13.32.
Variant type: single nucleotide variant.
Coding change: c.527T>C on transcript NM_000217.3 (MANE Select); coding-DNA position 527, T replaced by C.
Protein change: p.Val176Ala; replaces valine 176 with alanine.
Molecular consequence: missense variant.
Genome position (GRCh38, 1-based): chr12:4,911,905, T>C. VCF-style: chr12-4911905-T-C. GRCh37 (hg19) VCF-style: chr12-5021071-T-C.
Other names: short protein forms V176A.
Identifiers: ClinVar variation 5037560 (VCV005037560.1).